The following is an entry in ClinVar:

NM_078480.3(PUF60):c.1572_1573del (p.Glu524fs)

Gene: PUF60 (poly(U) binding splicing factor 60; minus strand). Cytogenetic location: 8q24.3.
Variant type: Microsatellite.
Coding change: c.1572_1573del on transcript NM_078480.3 (MANE Select); coding-DNA positions 1572 to 1573, 2 bases deleted (GA; older notation c.1572_1573delGA).
Protein change: p.Glu524fs; shifts the reading frame from glutamic acid 524.
Molecular consequence: frameshift variant.
Genome position (GRCh38, 1-based): chr8:143,816,627-143,816,628, TC deleted on the plus strand (GA on the coding strand, the reverse complement: PUF60 is on the minus strand); deleting any 2 consecutive bases within chr8:143,816,627-143,816,630 gives the same sequence; the c. name uses the placement nearest the transcript's 3' end. VCF-style (leftmost placement, unchanged base first): chr8-143816626-GTC-G. GRCh37 (hg19) VCF-style: chr8-144898796-GTC-G.
Other names: NM_078480.3:c.1572_1573del; c.1521_1522del, p.Glu507fs (NM_014281.5); c.1443_1444del, p.Glu481fs (NM_001136033.3); c.1518_1519del, p.Glu506fs (NM_001271096.2); c.1434_1435del, p.Glu478fs (NM_001271097.2); c.1569_1570del, p.Glu523fs (NM_001271098.2); c.1485_1486del, p.Glu495fs (NM_001271099.2); c.1392_1393del, p.Glu464fs (NM_001271100.2); and 2 more; short protein forms E464fs, E478fs, E481fs, E495fs, E506fs, E507fs, E523fs, E524fs.
Identifiers: ClinVar variation 4819466 (VCV004819466.1).

ClinVar aggregate classification (germline): Uncertain significance (1 of 4 stars; one submission).

Conditions:
8q24.3 microdeletion syndrome. Also called: CHROMOSOME 8q24.3 DELETION SYNDROME; Verheij syndrome. Identifiers: Orphanet 508488, MedGen C3810023, MONDO:0014263, OMIM 615583.

Submission:

Broad Center for Mendelian Genomics, Broad Institute of MIT and Harvard
Classification: Uncertain significance for 8q24.3 microdeletion syndrome. Last evaluated: 2026-03-02. Review status: criteria provided, single submitter. Criteria: ACMG Guidelines, 2015. Collection method: research. Allele origin: germline. Inheritance: Autosomal dominant inheritance.
Comment: Trio exome analysis showed this variant to be de novo. The p.Glu524AspfsTer3 variant in PUF60 has not been previously reported in the literature in individuals with neurodevelopmental disorders and was absent from large population studies. This variant is predicted to cause a frameshift, which alters the protein’s amino acid sequence beginning at position 524 and leads to a premature termination codon 3 amino acids downstream. This termination codon occurs within the last exon and is more likely to escape nonsense mediated decay (NMD) and result in a truncated protein. Heterozygous loss of function of the PUF60 gene is an established disease mechanism in autosomal dominant neurodevelopmental disorder. In summary, while there is some suspicion for a pathogenic role, the clinical significance of this variant is uncertain. ACMG/AMP Criteria applied: PVS1_moderate, PM2_supporting, PS2_supporting (Richards 2015).